The following is an entry in ClinVar:

ClinVar aggregate classification (germline): Uncertain significance. Review status: criteria provided, multiple submitters, no conflicts (2 of 4 stars). 3 submissions from 3 submitters: Uncertain significance (2). 1 of the submissions does not count toward it. Last evaluated 2025-09-09.

Conditions:
TLR3-related disorder. Also called: TLR3-related condition.
Encephalopathy, acute, infection-induced (herpes-specific), susceptibility to, 1. Also called: Herpes simplex encephalitis, susceptibility to, 1. Identifiers: Orphanet 1930, MedGen C2750180, MONDO:0024563, OMIM 610551.

Allele frequency attached by ClinVar (database versions not stated): gnomAD exomes 0.00002; gnomAD 0.00003 and 0.00004; ExAC 0.00002; TOPMed 0.00004.
gnomAD v4.1: 37 of 1,613,972 alleles (0.0023%); highest among the groups gnomAD compares: Admixed American, 0.0067%; no homozygotes.

Submissions (3):

Labcorp Genetics (formerly Invitae), Labcorp
Classification: Uncertain significance for Encephalopathy, acute, infection-induced (herpes-specific), susceptibility to, 1. Last evaluated: 2025-09-09. Review status: criteria provided, single submitter. Criteria: Invitae Variant Classification Sherloc (09022015). Collection method: clinical testing. Allele origin: germline.
Comment: This sequence change replaces serine, which is neutral and polar, with alanine, which is neutral and non-polar, at codon 339 of the TLR3 protein (p.Ser339Ala). This variant is present in population databases (rs752833190, gnomAD 0.008%). This variant has not been reported in the literature in individuals affected with TLR3-related conditions. ClinVar contains an entry for this variant (Variation ID: 1037895). An algorithm developed to predict the effect of missense changes on protein structure and function outputs the following: PolyPhen-2: "Benign". The alanine amino acid residue is found in multiple mammalian species, which suggests that this missense change does not adversely affect protein function. In summary, the available evidence is currently insufficient to determine the role of this variant in disease. Therefore, it has been classified as a Variant of Uncertain Significance.

Dasa
Classification: Uncertain significance. Last evaluated: 2025-01-05. Review status: criteria provided, single submitter. Criteria: DASA Assertion Criteria. Collection method: clinical testing. Allele origin: germline.
Comment: NM_003265.3(TLR3):c.1015T>G (p.Ser339Ala) is a missense variant that results in the substitution of serine with alanine. This variant is rare in population databases. Computational prediction algorithms are consistent with a benign effect. The currently available literature and clinical evidence are not sufficient to establish a definitive association between this variant and the reported condition. Therefore, this variant is classified as a variant of uncertain significance.

PreventionGenetics, part of Exact Sciences
Classification: Uncertain significance for TLR3-related condition. Last evaluated: 2024-08-23. Review status: no assertion criteria provided. Collection method: clinical testing. Allele origin: germline. Not counted in ClinVar's aggregate classification.
Comment: The TLR3 c.1015T>G variant is predicted to result in the amino acid substitution p.Ser339Ala. To our knowledge, this variant has not been reported in the literature. This variant is reported in 0.0040% of alleles in individuals of African descent in gnomAD. At this time, the clinical significance of this variant is uncertain due to the absence of conclusive functional and genetic evidence.

NM_003265.3(TLR3):c.1015T>G (p.Ser339Ala)

Gene: TLR3 (toll like receptor 3; plus strand). Cytogenetic location: 4q35.1.
Variant type: single nucleotide variant.
Coding change: c.1015T>G on transcript NM_003265.3 (MANE Select); coding-DNA position 1015, T replaced by G.
Protein change: p.Ser339Ala; replaces serine 339 with alanine.
Molecular consequence: missense variant.
Genome position (GRCh38, 1-based): chr4:186,082,701, T>G. VCF-style: chr4-186082701-T-G. GRCh37 (hg19) VCF-style: chr4-187003855-T-G.
Other names: c.1015T>G (NM_003265.2); short protein forms S339A.
Identifiers: ClinVar variation 1037895 (VCV001037895.13), dbSNP rs752833190, ClinGen allele CA3161343.